The following is an entry in ClinVar:

ClinVar aggregate classification (germline): Uncertain significance (1 of 4 stars; one submission).

Conditions:
Thrombophilia due to protein C deficiency, autosomal dominant. Also called: PROC DEFICIENCY, AUTOSOMAL DOMINANT; PROTEIN C DEFICIENCY, AUTOSOMAL DOMINANT. Identifiers: Orphanet 745, MedGen C2674321, MONDO:0008316, OMIM 176860. Disease mechanism: loss of function.

Allele frequency attached by ClinVar (database versions not stated): gnomAD exomes below 0.00001; TOPMed below 0.00001.
gnomAD v4.1: 2 of 1,612,750 alleles (0.00012%); highest among the groups gnomAD compares: Non-Finnish European, 0.00017%; no homozygotes.

Submission:

ISTH-SSC Genomics in Thrombosis and Hemostasis, KU Leuven, Center for Molecular and Vascular Biology
Classification: Uncertain significance for Thrombophilia due to protein C deficiency, autosomal dominant. Review status: criteria provided, single submitter. Criteria: ACMG Guidelines, 2015. Collection method: clinical testing. Allele origin: germline. Affected: yes. Observed: 1 heterozygote.
Comment: Submitted to GoldVariant by Kathleen Freson, Center for Molecular and Vascular Biology, Leuven, Belgium

NM_000312.4(PROC):c.70+12C>T

Gene: PROC (protein C, inactivator of coagulation factors Va and VIIIa; plus strand). Cytogenetic location: 2q14.3.
Variant type: single nucleotide variant.
Coding change: c.70+12C>T on transcript NM_000312.4 (MANE Select); 12 bases into the intron after coding-DNA position 70, C replaced by T.
Molecular consequence: intron variant.
Genome position (GRCh38, 1-based): chr2:127,420,024, C>T. VCF-style: chr2-127420024-C-T. GRCh37 (hg19) VCF-style: chr2-128177600-C-T.
Other names: c.70+12C>T (NM_001375611.1, NM_001375605.1, NM_001375608.1 and 2 more transcripts); c.253+12C>T (NM_001375602.1); c.189+12C>T (NM_001375607.1); c.133+12C>T (NM_001375606.1, NM_001375603.1, NM_001375604.1); c.47-1259C>T (NM_001375609.1).
Identifiers: ClinVar variation 1703786 (VCV001703786.1), dbSNP rs1687993255, ClinGen allele CA1286880613.